The following is an entry in ClinVar:

ClinVar aggregate classification (germline): Uncertain significance (0 of 4 stars; one submission).

Conditions:
HIVEP1-related disorder. Also called: HIVEP1-related condition.

gnomAD v4.1: 3 of 1,614,184 alleles (0.00019%); highest among the groups gnomAD compares: Middle Eastern, 0.016%; no homozygotes.

Submission:

PreventionGenetics, part of Exact Sciences
Classification: Uncertain significance for HIVEP1-related condition. Last evaluated: 2024-02-05. Review status: no assertion criteria provided. Collection method: clinical testing. Allele origin: germline.
Comment: The HIVEP1 c.3387C>G variant is predicted to result in the amino acid substitution p.His1129Gln. To our knowledge, this variant has not been reported in the literature or in a large population database, indicating this variant is rare. At this time, the clinical significance of this variant is uncertain due to the absence of conclusive functional and genetic evidence.

NM_002114.4(HIVEP1):c.3387C>G (p.His1129Gln)

Gene: HIVEP1 (HIVEP zinc finger 1; plus strand). Cytogenetic location: 6p24.1.
Variant type: single nucleotide variant.
Coding change: c.3387C>G on transcript NM_002114.4 (MANE Select); coding-DNA position 3387, C replaced by G.
Protein change: p.His1129Gln; replaces histidine 1129 with glutamine.
Molecular consequence: missense variant.
Genome position (GRCh38, 1-based): chr6:12,123,182, C>G. VCF-style: chr6-12123182-C-G. GRCh37 (hg19) VCF-style: chr6-12123415-C-G.
Other names: short protein forms H1129Q.
Identifiers: ClinVar variation 3036519 (VCV003036519.2), dbSNP rs375225314, ClinGen allele CA362778661.